The following is an entry in ClinVar:

NC_000001.10:g.(?_62971367)_62980255del

Gene: DOCK7 (dedicator of cytokinesis 7; minus strand).
Variant type: Deletion.
Identifiers: ClinVar variation 1069481 (VCV001069481.2).

ClinVar aggregate classification (germline): Pathogenic (1 of 4 stars; one submission).

Conditions:
Developmental and epileptic encephalopathy, 23 (DEE23). Also called: Epileptic encephalopathy, early infantile, 23. Identifiers: Orphanet 411986, MedGen C4014492, MONDO:0014371, OMIM 615859.

Submission:

Labcorp Genetics (formerly Invitae), Labcorp
Classification: Pathogenic for Developmental and epileptic encephalopathy, 23. Last evaluated: 2018-04-16. Review status: criteria provided, single submitter. Criteria: Invitae Variant Classification Sherloc (09022015). Collection method: clinical testing. Allele origin: germline.
Comment: This variant is a gross deletion of the genomic region encompassing exons 32-35 and the first 120 nucleotides of exon 36 of the DOCK7 gene, including the intron 31-exon 36 boundary (c.3937-686_4570del). This is expected to create a premature translational stop signal and result in an absent or disrupted protein product. This variant has not been reported in the literature in individuals with DOCK7-related disease. Loss-of-function variants in DOCK7 are known to be pathogenic (PMID: 24814191). For these reasons, this variant has been classified as Pathogenic.

Literature cited by the submitters: PubMed 24814191.